The following is an entry in ClinVar:

NM_001079668.3(NKX2-1):c.1131_1132insACACCCAGTTCAGGTG (p.Ser378fs)

Genes: NKX2-1 (NK2 homeobox 1; minus strand), SFTA3 (surfactant associated 3; minus strand). Cytogenetic location: 14q13.3.
Variant type: Insertion.
Coding change: c.1131_1132insACACCCAGTTCAGGTG on transcript NM_001079668.3 (MANE Select); coding-DNA positions 1131 to 1132, ACACCCAGTTCAGGTG inserted.
Protein change: p.Ser378fs; shifts the reading frame from serine 378.
Molecular consequence: frameshift variant.
Genome position: GRCh38 VCF-style: chr14-36517352-A-ACACCTGAACTGGGTGT. GRCh37 (hg19) VCF-style: chr14-36986557-A-ACACCTGAACTGGGTGT.
Other names: c.1041_1042insACACCCAGTTCAGGTG, p.Ser348fs (NM_003317.4); short protein forms S378fs, S348fs.
Identifiers: ClinVar variation 1418530 (VCV001418530.6), dbSNP rs2139405459, ClinGen allele CA2573149964.
Genomic context (GRCh38, chr14:36,517,352, plus strand): 5'-CGTATAGCAAGGTGGAGCAGGACATGGTGCCGTAGTCCGAGCCCGAGGAGTTCAGGTGGG[A>ACACCTGAACTGGGTGT]CAGGCTGGATACCTGGCCCTGCAGCGCCGCGGGGCTGGCGGCGTGGTGCGCCAGGTCCGG-3'

ClinVar aggregate classification (germline): Pathogenic (1 of 4 stars; one submission).

Submission:

Labcorp Genetics (formerly Invitae), Labcorp
Classification: Pathogenic. Last evaluated: 2021-09-01. Review status: criteria provided, single submitter. Criteria: Invitae Variant Classification Sherloc (09022015). Collection method: clinical testing. Allele origin: germline.
Comment: This sequence change results in a frameshift in the NKX2-1 gene (p.Ser378Thrfs*66). While this is not anticipated to result in nonsense mediated decay, it is expected to disrupt the last 24 amino acid(s) of the NKX2-1 protein and extend the protein by 41 additional amino acid residues. This variant is not present in population databases (ExAC no frequency). This frameshift has been observed in individual(s) with clinical features of NKX2-1related conditions (Invitae). In at least one individual the variant was observed to be de novo. Algorithms developed to predict the effect of sequence changes on RNA splicing suggest that this variant may create or strengthen a splice site. For these reasons, this variant has been classified as Pathogenic.